The following is an entry in ClinVar:

ClinVar aggregate classification (germline): Uncertain significance. Review status: criteria provided, multiple submitters, no conflicts (2 of 4 stars). 3 submissions from 3 submitters: Uncertain significance (3). Last evaluated 2022-07-12.

Conditions:
Inborn genetic diseases. Identifiers: MedGen C0950123, MeSH D030342.
Familial episodic pain syndrome with predominantly lower limb involvement. Also called: Episodic pain syndrome, familial, 3. Identifiers: Orphanet 391384, Orphanet 391392, MedGen C3809899, MONDO:0014247, OMIM 615552.
Hereditary sensory and autonomic neuropathy type 7. Also called: HSAN VII; Neuropathy, hereditary sensory and autonomic, type VII. Identifiers: Orphanet 391397, MedGen C3809882, MONDO:0014244, OMIM 615548.

Allele frequency attached by ClinVar (database versions not stated): ExAC 0.00001; gnomAD exomes 0.00001; TOPMed 0.00002; gnomAD 0.00003 and 0.00004.
gnomAD v4.1: 39 of 1,613,740 alleles (0.0024%); highest among the groups gnomAD compares: Admixed American, 0.005%; no homozygotes.

Submissions (3):

Labcorp Genetics (formerly Invitae), Labcorp
Classification: Uncertain significance for Familial episodic pain syndrome with predominantly lower limb involvement; Hereditary sensory and autonomic neuropathy type 7. Last evaluated: 2022-07-12. Review status: criteria provided, single submitter. Criteria: Invitae Variant Classification Sherloc (09022015). Collection method: clinical testing. Allele origin: germline.
Comment: Algorithms developed to predict the effect of missense changes on protein structure and function (SIFT, PolyPhen-2, Align-GVGD) all suggest that this variant is likely to be disruptive. In summary, the available evidence is currently insufficient to determine the role of this variant in disease. Therefore, it has been classified as a Variant of Uncertain Significance. ClinVar contains an entry for this variant (Variation ID: 692149). This variant has not been reported in the literature in individuals affected with SCN11A-related conditions. This variant is present in population databases (rs776182932, gnomAD 0.003%). This sequence change replaces arginine, which is basic and polar, with tryptophan, which is neutral and slightly polar, at codon 1046 of the SCN11A protein (p.Arg1046Trp).

Ambry Genetics
Classification: Uncertain significance for Inborn genetic diseases. Last evaluated: 2019-12-29. Review status: criteria provided, single submitter. Criteria: Ambry Variant Classification Scheme 2023. Collection method: clinical testing. Allele origin: germline.
Comment: The p.R1046W variant (also known as c.3136C>T), located in coding exon 18 of the SCN11A gene, results from a C to T substitution at nucleotide position 3136. The arginine at codon 1046 is replaced by tryptophan, an amino acid with dissimilar properties. This amino acid position is highly conserved in available vertebrate species. In addition, this alteration is predicted to be deleterious by in silico analysis. Since supporting evidence is limited at this time, the clinical significance of this alteration remains unclear.

Institute of Human Genetics, University of Goettingen
Classification: Uncertain significance for Familial episodic pain syndrome with predominantly lower limb involvement. Last evaluated: 2019-08-27. Review status: criteria provided, single submitter. Criteria: ACMG Guidelines, 2015. Collection method: clinical testing. Allele origin: germline. Inheritance: Autosomal dominant inheritance. Affected: yes. Observed: 1 heterozygote.
Comment: For the following reasons we consider the variant as a variant of uncertain significance: 1. a comparison with the ExAC and gnomAD browsers did not provide any evidence that this sequence change is a norm variant that can also be detected in non-infected persons; the mutation occurs with a frequency of 0.00083% (ExAC) and 0.00079% (gnomAD); 2. the mutation affects a highly conserved amino acid. Arginine at this position is conserved across species. The splice site prediction programs predict a change in splicing; 3. the mutation type is known to be pathogenic in the disease of question (Episodic pain syndrome); 4. the variant is uniformly classified as probably damaging/disease-causing by four independent prediction programs (M-CAP; MutationTaster; PolyPhen-2; SIFT).

NM_001349253.2(SCN11A):c.3136C>T (p.Arg1046Trp)

Gene: SCN11A (sodium voltage-gated channel alpha subunit 11; minus strand). Cytogenetic location: 3p22.2.
Variant type: single nucleotide variant.
Coding change: c.3136C>T on transcript NM_001349253.2 (MANE Select); coding-DNA position 3136, C replaced by T.
Protein change: p.Arg1046Trp; replaces arginine 1046 with tryptophan.
Molecular consequence: missense variant.
Genome position (GRCh38, 1-based): chr3:38,883,316, G>A on the plus strand (C>T on the coding strand, the complement: SCN11A is on the minus strand). VCF-style: chr3-38883316-G-A. GRCh37 (hg19) VCF-style: chr3-38924807-G-A.
Other names: c.3136C>T, p.Arg1046Trp (NM_014139.3); short protein forms R1046W.
Identifiers: ClinVar variation 692149 (VCV000692149.9), dbSNP rs776182932, ClinGen allele CA2321864.